The following is an entry in ClinVar:

NM_005051.3(QARS1):c.562_563inv (p.Lys188Leu)

Gene: QARS1 (glutaminyl-tRNA synthetase 1; minus strand). Cytogenetic location: 3p21.31.
Variant type: Inversion.
Coding change: c.562_563inv on transcript NM_005051.3 (MANE Select).
Protein change: p.Lys188Leu; replaces lysine 188 with leucine.
Molecular consequence: missense variant. On other transcripts: non-coding transcript variant (1).
Genome position: GRCh38 VCF-style: chr3-49102426-TT-AA. GRCh37 (hg19) VCF-style: chr3-49139859-TT-AA.
Other names: c.529_530inv, p.Lys177Leu (NM_001272073.2); short protein forms K188L, K177L.
Identifiers: ClinVar variation 2165683 (VCV002165683.4), ClinGen allele CA2580069990.

ClinVar aggregate classification (germline): Uncertain significance (1 of 4 stars; one submission).

Conditions:
Diffuse cerebral and cerebellar atrophy - intractable seizures - progressive microcephaly syndrome. Also called: Microcephaly, progressive, with seizures and cerebral and cerebellar atrophy. Identifiers: Orphanet 404437, MedGen C4014239, MONDO:0014335, OMIM 615760.

Submission:

Labcorp Genetics (formerly Invitae), Labcorp
Classification: Uncertain significance for Diffuse cerebral and cerebellar atrophy - intractable seizures - progressive microcephaly syndrome. Last evaluated: 2022-10-05. Review status: criteria provided, single submitter. Criteria: Invitae Variant Classification Sherloc (09022015). Collection method: clinical testing. Allele origin: germline.
Comment: This sequence change replaces lysine, which is basic and polar, with leucine, which is neutral and non-polar, at codon 188 of the QARS protein (p.Lys188Leu). Information on the frequency of this variant in the gnomAD database is not available, as this variant may be reported differently in the database. This variant has not been reported in the literature in individuals affected with QARS-related conditions. Algorithms developed to predict the effect of missense changes on protein structure and function are either unavailable or do not agree on the potential impact of this missense change (SIFT: "Not Available"; PolyPhen-2: "Probably Damaging"; Align-GVGD: "Not Available"). In summary, the available evidence is currently insufficient to determine the role of this variant in disease. Therefore, it has been classified as a Variant of Uncertain Significance.